The following is an entry in ClinVar:

ClinVar aggregate classification (germline): Uncertain significance (1 of 4 stars; one submission).

Conditions:
Gorlin syndrome. Also called: Nevoid Basal Cell Carcinoma Syndrome; Basal cell nevus syndrome. Identifiers: Orphanet 377, MedGen C0004779, MONDO:0007187.

Submission:

Labcorp Genetics (formerly Invitae), Labcorp
Classification: Uncertain significance for Gorlin syndrome. Last evaluated: 2023-06-22. Review status: criteria provided, single submitter. Criteria: Invitae Variant Classification Sherloc (09022015). Collection method: clinical testing. Allele origin: germline.
Comment: This variant, c.2925_2926insGCT, results in the insertion of 1 amino acid(s) of the PTCH2 protein (p.Thr975_Phe976insAla), but otherwise preserves the integrity of the reading frame. The frequency data for this variant in the population databases is considered unreliable, as metrics indicate poor data quality at this position in the gnomAD database. This variant has not been reported in the literature in individuals affected with PTCH2-related conditions. ClinVar contains an entry for this variant (Variation ID: 1398677). In summary, the available evidence is currently insufficient to determine the role of this variant in disease. Therefore, it has been classified as a Variant of Uncertain Significance.

NM_003738.5(PTCH2):c.2925_2926insGCT (p.Thr975_Phe976insAla)

Gene: PTCH2 (patched 2; minus strand). Cytogenetic location: 1p34.1.
Variant type: Insertion.
Coding change: c.2925_2926insGCT on transcript NM_003738.5 (MANE Select); coding-DNA positions 2925 to 2926, GCT inserted.
Protein change: p.Thr975_Phe976insAla.
Molecular consequence: inframe insertion.
Genome position: GRCh38 VCF-style: chr1-44826538-A-AAGC. GRCh37 (hg19) VCF-style: chr1-45292210-A-AAGC.
Other names: c.2925_2926insGCT, p.Thr975_Phe976insAla (NM_001166292.2).
Identifiers: ClinVar variation 1398677 (VCV001398677.6), dbSNP rs1459615294, ClinGen allele CA522809272.
Genomic context (GRCh38, chr1:44,826,538, plus strand): 5'-AAGCACTCACTATGAGGCCAGCCGTCCAGGGGTTGAGGAGCAGCAGAGCACAGACGAGGA[A>AAGC]AGTGCACACCAGCAGGATGCAGACGGCCAGCAGGAAGCAGCGCCGCAGGCCCAGATACTG-3'